The following is an entry in ClinVar:

NM_004168.4(SDHA):c.190G>A (p.Ala64Thr)

Gene: SDHA (succinate dehydrogenase complex flavoprotein subunit A; plus strand). Cytogenetic location: 5p15.33.
Variant type: single nucleotide variant.
Coding change: c.190G>A on transcript NM_004168.4 (MANE Select); coding-DNA position 190, G replaced by A.
Protein change: p.Ala64Thr; replaces alanine 64 with threonine.
Molecular consequence: missense variant.
Genome position (GRCh38, 1-based): chr5:224,399, G>A. VCF-style: chr5-224399-G-A. GRCh37 (hg19) VCF-style: chr5-224514-G-A.
Other names: c.190G>A, p.Ala64Thr (NM_001294332.2, NM_001330758.2); short protein forms A64T.
Identifiers: ClinVar variation 1000761 (VCV001000761.7), dbSNP rs1734884655, ClinGen allele CA359008457.
Genomic context (GRCh38, chr5:224,399, plus strand): 5'-AGGTGAATTTTTCTTTTCCAGATTTCTGCTCAGTATCCAGTAGTGGATCATGAATTTGAT[G>A]CAGTGGTGGTAGGCGCTGGAGGGGCAGGCTTGCGAGCTGCATTTGGCCTTTCTGAGGCAG-3'
Protein context (NP_004159.2, residues 54-74): QYPVVDHEFD[Ala64Thr]VVVGAGGAGL

ClinVar aggregate classification (germline): Uncertain significance (1 of 4 stars; one submission).

Conditions:
Mitochondrial complex II deficiency, nuclear type 1. Also called: SUCCINATE CoQ REDUCTASE DEFICIENCY. Identifiers: Orphanet 3208, MedGen C5700310, MONDO:0100294, OMIM 252011.
Pheochromocytoma/paraganglioma syndrome 5. Also called: Paragangliomas 5; SDHA-Related Hereditary Paraganglioma-Pheochromocytoma Syndrome. Identifiers: Orphanet 29072, MedGen C3279992, MONDO:0013602, OMIM 614165.

Allele frequency attached by ClinVar (database versions not stated): gnomAD exomes below 0.00001.

Submission:

Labcorp Genetics (formerly Invitae), Labcorp
Classification: Uncertain significance for Pheochromocytoma/paraganglioma syndrome 5; Mitochondrial complex II deficiency, nuclear type 1. Last evaluated: 2023-11-14. Review status: criteria provided, single submitter. Criteria: Invitae Variant Classification Sherloc (09022015). Collection method: clinical testing. Allele origin: germline.
Comment: This sequence change replaces alanine, which is neutral and non-polar, with threonine, which is neutral and polar, at codon 64 of the SDHA protein (p.Ala64Thr). This variant is not present in population databases (gnomAD no frequency). This variant has not been reported in the literature in individuals affected with SDHA-related conditions. ClinVar contains an entry for this variant (Variation ID: 1000761). Advanced modeling of protein sequence and biophysical properties (such as structural, functional, and spatial information, amino acid conservation, physicochemical variation, residue mobility, and thermodynamic stability) performed at Invitae indicates that this missense variant is not expected to disrupt SDHA protein function with a negative predictive value of 95%. In summary, the available evidence is currently insufficient to determine the role of this variant in disease. Therefore, it has been classified as a Variant of Uncertain Significance.